The following is an entry in ClinVar:

NM_005228.5(EGFR):c.567G>T (p.Lys189Asn)

Gene: EGFR (epidermal growth factor receptor; plus strand). Cytogenetic location: 7p11.2.
Variant type: single nucleotide variant.
Coding change: c.567G>T on transcript NM_005228.5 (MANE Select); coding-DNA position 567, G replaced by T.
Protein change: p.Lys189Asn; replaces lysine 189 with asparagine.
Molecular consequence: missense variant. On other transcripts: intron variant (1).
Genome position (GRCh38, 1-based): chr7:55,151,301, G>T. VCF-style: chr7-55151301-G-T. GRCh37 (hg19) VCF-style: chr7-55218994-G-T.
Other names: c.432G>T, p.Lys144Asn (NM_001346897.2, NM_001346899.2); c.567G>T, p.Lys189Asn (NM_001346898.2, NM_201282.2, NM_201283.2 and 1 more transcripts); c.408G>T, p.Lys136Asn (NM_001346900.2); c.89-4529G>T (NM_001346941.2); short protein forms K144N, K189N, K136N.
Identifiers: ClinVar variation 2102762 (VCV002102762.4), dbSNP rs748275089, ClinGen allele CA367576796.

ClinVar aggregate classification (germline): Uncertain significance (1 of 4 stars; one submission).

Conditions:
EGFR-related lung cancer (EGFR). Identifiers: MedGen CN130014.

Submission:

Labcorp Genetics (formerly Invitae), Labcorp
Classification: Uncertain significance for EGFR-related lung cancer. Last evaluated: 2022-02-24. Review status: criteria provided, single submitter. Criteria: Invitae Variant Classification Sherloc (09022015). Collection method: clinical testing. Allele origin: germline.
Comment: In summary, the available evidence is currently insufficient to determine the role of this variant in disease. Therefore, it has been classified as a Variant of Uncertain Significance. Algorithms developed to predict the effect of missense changes on protein structure and function are either unavailable or do not agree on the potential impact of this missense change (SIFT: "Deleterious"; PolyPhen-2: "Benign"; Align-GVGD: "Class C0"). This variant has not been reported in the literature in individuals affected with EGFR-related conditions. This variant is not present in population databases (gnomAD no frequency). This sequence change replaces lysine, which is basic and polar, with asparagine, which is neutral and polar, at codon 189 of the EGFR protein (p.Lys189Asn).